The following is an entry in ClinVar:

ClinVar aggregate classification (germline): Uncertain significance. Review status: criteria provided, multiple submitters, no conflicts (2 of 4 stars). 2 submissions from 2 submitters: Uncertain significance (2). Last evaluated 2025-01-27.

Conditions:
Cardiovascular phenotype. Identifiers: MedGen CN230736.
Dilated cardiomyopathy 1KK (CMD1KK). Identifiers: Orphanet 154, Orphanet 75249, MedGen C3714995, MONDO:0014100, OMIM 615248.

Allele frequency attached by ClinVar (database versions not stated): gnomAD exomes below 0.00001.
gnomAD v4.1: 3 of 1,613,976 alleles (0.00019%); highest among the groups gnomAD compares: Non-Finnish European, 0.00025%; no homozygotes.

Submissions (2):

Ambry Genetics
Classification: Uncertain significance for Cardiovascular phenotype. Last evaluated: 2025-01-27. Review status: criteria provided, single submitter. Criteria: Ambry Variant Classification Scheme 2023. Collection method: clinical testing. Allele origin: germline.
Comment: The p.Q858R variant (also known as c.2573A>G), located in coding exon 11 of the MYPN gene, results from an A to G substitution at nucleotide position 2573. The glutamine at codon 858 is replaced by arginine, an amino acid with highly similar properties. This amino acid position is conserved. In addition, this alteration is predicted to be tolerated by in silico analysis. Based on the available evidence, the clinical significance of this variant remains unclear.

Labcorp Genetics (formerly Invitae), Labcorp
Classification: Uncertain significance for Dilated cardiomyopathy 1KK. Last evaluated: 2021-01-13. Review status: criteria provided, single submitter. Criteria: Invitae Variant Classification Sherloc (09022015). Collection method: clinical testing. Allele origin: germline.
Comment: This variant is not present in population databases (ExAC no frequency). This variant has not been reported in the literature in individuals with MYPN-related conditions. Algorithms developed to predict the effect of missense changes on protein structure and function (SIFT, PolyPhen-2, Align-GVGD) all suggest that this variant is likely to be tolerated, but these predictions have not been confirmed by published functional studies and their clinical significance is uncertain. This sequence change replaces glutamine with arginine at codon 858 of the MYPN protein (p.Gln858Arg). The glutamine residue is moderately conserved and there is a small physicochemical difference between glutamine and arginine. In summary, the available evidence is currently insufficient to determine the role of this variant in disease. Therefore, it has been classified as a Variant of Uncertain Significance.

NM_032578.4(MYPN):c.2573A>G (p.Gln858Arg)

Gene: MYPN (myopalladin; plus strand). Cytogenetic location: 10q21.3.
Variant type: single nucleotide variant.
Coding change: c.2573A>G on transcript NM_032578.4 (MANE Select); coding-DNA position 2573, A replaced by G.
Protein change: p.Gln858Arg; replaces glutamine 858 with arginine.
Molecular consequence: missense variant. On other transcripts: non-coding transcript variant (1).
Genome position (GRCh38, 1-based): chr10:68,175,331, A>G. VCF-style: chr10-68175331-A-G. GRCh37 (hg19) VCF-style: chr10-69935088-A-G.
Other names: c.2573A>G, p.Gln858Arg (NM_001256267.2); c.1691A>G, p.Gln564Arg (NM_001256268.2); c.2573A>G (NM_032578.2); short protein forms Q564R, Q858R.
Identifiers: ClinVar variation 1498955 (VCV001498955.9), dbSNP rs2134204422, ClinGen allele CA376848604.